The following is an entry in ClinVar:

ClinVar aggregate classification (germline): Uncertain significance (1 of 4 stars; one submission).

Conditions:
Familial cancer of breast. Also called: BREAST CANCER, FAMILIAL; Hereditary breast cancer; hereditary breast carcinoma. Identifiers: Orphanet 227535, MedGen C0346153, MONDO:0016419, OMIM 114480. Disease mechanism: loss of function.

Submission:

Labcorp Genetics (formerly Invitae), Labcorp
Classification: Uncertain significance for Familial cancer of breast. Last evaluated: 2024-10-21. Review status: criteria provided, single submitter. Criteria: Invitae Variant Classification Sherloc (09022015). Collection method: clinical testing. Allele origin: germline.
Comment: This sequence change disrupts the translational stop signal of the CHEK2 mRNA. It is expected to extend the length of the CHEK2 protein by 48 additional amino acid residues. This variant is not present in population databases (gnomAD no frequency). This variant has not been reported in the literature in individuals affected with CHEK2-related conditions. ClinVar contains an entry for this variant (Variation ID: 964642). Experimental studies and prediction algorithms are not available or were not evaluated, and the functional significance of this variant is currently unknown. In summary, the available evidence is currently insufficient to determine the role of this variant in disease. Therefore, it has been classified as a Variant of Uncertain Significance.

NM_007194.4(CHEK2):c.1630T>G (p.Ter544Gly)

Gene: CHEK2 (checkpoint kinase 2; minus strand). Cytogenetic location: 22q12.1.
Variant type: single nucleotide variant.
Coding change: c.1630T>G on transcript NM_007194.4 (MANE Select); coding-DNA position 1630, T replaced by G.
Protein change: p.Ter544Gly.
Molecular consequence: stop lost.
Genome position (GRCh38, 1-based): chr22:28,687,899, A>C on the plus strand (T>G on the coding strand, the complement: CHEK2 is on the minus strand). VCF-style: chr22-28687899-A-C. GRCh37 (hg19) VCF-style: chr22-29083887-A-C.
Other names: *323G; *477G; *587G; *544G; *515G; c.1759T>G, p.Ter587Gly (NM_001005735.3); c.967T>G, p.Ter323Gly (NM_001257387.3); c.1429T>G, p.Ter477Gly (NM_001349956.3); and 1 more.
Identifiers: ClinVar variation 964642 (VCV000964642.8), dbSNP rs2052179845, ClinGen allele CA411090953.